The following is an entry in ClinVar:

NM_020975.6(RET):c.847G>C (p.Val283Leu)

Gene: RET (ret proto-oncogene; plus strand). Cytogenetic location: 10q11.21.
Variant type: single nucleotide variant.
Coding change: c.847G>C on transcript NM_020975.6 (MANE Select); coding-DNA position 847, G replaced by C.
Protein change: p.Val283Leu; replaces valine 283 with leucine.
Molecular consequence: missense variant.
Genome position (GRCh38, 1-based): chr10:43,105,173, G>C. VCF-style: chr10-43105173-G-C. GRCh37 (hg19) VCF-style: chr10-43600621-G-C.
Other names: c.847G>C, p.Val283Leu (NM_000323.2, NM_001406743.1, NM_001406744.1 and 8 more transcripts); c.85G>C, p.Val29Leu (NM_001355216.2); c.718G>C, p.Val240Leu (NM_001406761.1, NM_001406762.1, NM_001406764.1 and 2 more transcripts); c.559G>C, p.Val187Leu (NM_001406766.1, NM_001406767.1, NM_001406770.1); short protein forms V29L, V240L, V283L, V187L.
Identifiers: ClinVar variation 1763538 (VCV001763538.3), dbSNP rs2538390845, ClinGen allele CA376545339.

ClinVar aggregate classification (germline): Uncertain significance. Review status: criteria provided, multiple submitters, no conflicts (2 of 4 stars). 2 submissions from 2 submitters: Uncertain significance (2). Last evaluated 2023-08-08.

Conditions:
Hereditary cancer-predisposing syndrome. Also called: Neoplastic Syndromes, Hereditary; Tumor predisposition; Hereditary Cancer Syndrome; Hereditary neoplastic syndrome. Identifiers: Orphanet 140162, MedGen C0027672, MeSH D009386, MONDO:0015356.
Hirschsprung disease, susceptibility to, 1 (HSCR1). Also called: RET-Related Hirschsprung Disease. Identifiers: Orphanet 388, MedGen C3888239, MONDO:0007723, OMIM 142623.

Submissions (2):

Baylor Genetics
Classification: Uncertain significance for Hirschsprung disease, susceptibility to, 1. Last evaluated: 2023-08-08. Review status: criteria provided, single submitter. Criteria: ACMG Guidelines, 2015. Collection method: clinical testing. Allele origin: unknown.

Ambry Genetics
Classification: Uncertain significance for Hereditary cancer-predisposing syndrome. Last evaluated: 2022-06-24. Review status: criteria provided, single submitter. Criteria: Ambry Variant Classification Scheme 2023. Collection method: clinical testing. Allele origin: germline.
Comment: The p.V283L variant (also known as c.847G>C), located in coding exon 4 of the RET gene, results from a G to C substitution at nucleotide position 847. The valine at codon 283 is replaced by leucine, an amino acid with highly similar properties. This amino acid position is conserved. In addition, the in silico prediction for this alteration is inconclusive. Since supporting evidence is limited at this time, the clinical significance of this alteration remains unclear.